The following is an entry in ClinVar:

ClinVar aggregate classification (germline): Pathogenic (1 of 4 stars; one submission).

Submission:

Labcorp Genetics (formerly Invitae), Labcorp
Classification: Pathogenic. Last evaluated: 2022-03-12. Review status: criteria provided, single submitter. Criteria: Invitae Variant Classification Sherloc (09022015). Collection method: clinical testing. Allele origin: germline.
Comment: For these reasons, this variant has been classified as Pathogenic. This variant has not been reported in the literature in individuals affected with USH2A-related conditions. This variant is not present in population databases (gnomAD no frequency). This sequence change creates a premature translational stop signal (p.Tyr989*) in the USH2A gene. It is expected to result in an absent or disrupted protein product. Loss-of-function variants in USH2A are known to be pathogenic (PMID: 10729113, 10909849, 20507924, 25649381).

Literature cited by the submitters: PubMed 10729113; PubMed 10909849; PubMed 20507924; PubMed 25649381.

NM_206933.4(USH2A):c.2967C>G (p.Tyr989Ter)

Genes: USH2A (usherin; minus strand), USH2A-AS1 (USH2A antisense RNA 1; plus strand). Cytogenetic location: 1q41.
Variant type: single nucleotide variant.
Coding change: c.2967C>G on transcript NM_206933.4 (MANE Select); coding-DNA position 2967, C replaced by G.
Protein change: p.Tyr989Ter; replaces tyrosine 989 with a stop codon.
Molecular consequence: nonsense.
Genome position (GRCh38, 1-based): chr1:216,231,979, G>C on the plus strand (C>G on the coding strand, the complement: USH2A is on the minus strand). VCF-style: chr1-216231979-G-C. GRCh37 (hg19) VCF-style: chr1-216405321-G-C.
Other names: c.2967C>G, p.Tyr989Ter (NM_007123.6); short protein forms Y989*.
Identifiers: ClinVar variation 2109803 (VCV002109803.4), dbSNP rs2528126418, ClinGen allele CA344863104.